The following is an entry in ClinVar:

NM_198576.4(AGRN):c.762C>G (p.Ser254Arg)

Gene: AGRN (agrin; plus strand). Cytogenetic location: 1p36.33.
Variant type: single nucleotide variant.
Coding change: c.762C>G on transcript NM_198576.4 (MANE Select); coding-DNA position 762, C replaced by G.
Protein change: p.Ser254Arg; replaces serine 254 with arginine.
Molecular consequence: missense variant.
Genome position (GRCh38, 1-based): chr1:1,041,207, C>G. VCF-style: chr1-1041207-C-G. GRCh37 (hg19) VCF-style: chr1-976587-C-G.
Other names: c.762C>G (NM_198576.3); c.762C>G, p.Ser254Arg (NM_001305275.2); c.447C>G, p.Ser149Arg (NM_001364727.2); short protein forms S149R, S254R.
Identifiers: ClinVar variation 2042499 (VCV002042499.5), dbSNP rs1208459024, ClinGen allele CA337823655.

ClinVar aggregate classification (germline): Uncertain significance. Review status: criteria provided, multiple submitters, no conflicts (2 of 4 stars). 2 submissions from 2 submitters: Uncertain significance (2). Last evaluated 2025-10-06.

Conditions:
Inborn genetic diseases. Identifiers: MedGen C0950123, MeSH D030342.
Congenital myasthenic syndrome 8. Also called: Myasthenic syndrome, congenital, 8, with pre- and postsynaptic defects; MYASTHENIC SYNDROME, CONGENITAL, DUE TO AGRIN DEFICIENCY. Identifiers: Orphanet 590, MedGen C3808739, MONDO:0014052, OMIM 615120.

Submissions (2):

Ambry Genetics
Classification: Uncertain significance for Inborn genetic diseases. Last evaluated: 2025-10-06. Review status: criteria provided, single submitter. Criteria: Ambry Variant Classification Scheme 2023. Collection method: clinical testing. Allele origin: germline.

Labcorp Genetics (formerly Invitae), Labcorp
Classification: Uncertain significance for Congenital myasthenic syndrome 8. Last evaluated: 2022-03-18. Review status: criteria provided, single submitter. Criteria: Invitae Variant Classification Sherloc (09022015). Collection method: clinical testing. Allele origin: germline.
Comment: This sequence change replaces serine, which is neutral and polar, with arginine, which is basic and polar, at codon 254 of the AGRN protein (p.Ser254Arg). This variant is not present in population databases (gnomAD no frequency). This variant has not been reported in the literature in individuals affected with AGRN-related conditions. Algorithms developed to predict the effect of missense changes on protein structure and function are either unavailable or do not agree on the potential impact of this missense change (SIFT: "Deleterious"; PolyPhen-2: "Benign"; Align-GVGD: "Class C0"). Algorithms developed to predict the effect of sequence changes on RNA splicing suggest that this variant may create or strengthen a splice site. In summary, the available evidence is currently insufficient to determine the role of this variant in disease. Therefore, it has been classified as a Variant of Uncertain Significance.